The following is an entry in ClinVar:

ClinVar aggregate classification (germline): Pathogenic (1 of 4 stars; one submission).

Conditions:
Hyperphosphatasia with impaired intellectual development syndrome 2. Also called: Hyperphosphatasia with intellectual disability syndrome 2; GLYCOSYLPHOSPHATIDYLINOSITOL BIOSYNTHESIS DEFECT 6. Identifiers: Orphanet 247262, MedGen C3553637, MONDO:0013882, OMIM 614749.

gnomAD v4.1: 1 of 1,612,334 alleles (0.000062%); no homozygotes.

Submission:

Labcorp Genetics (formerly Invitae), Labcorp
Classification: Pathogenic for Hyperphosphatasia with impaired intellectual development syndrome 2. Last evaluated: 2023-08-20. Review status: criteria provided, single submitter. Criteria: Invitae Variant Classification Sherloc (09022015). Collection method: clinical testing. Allele origin: germline.
Comment: This sequence change creates a premature translational stop signal (p.Trp706*) in the PIGO gene. It is expected to result in an absent or disrupted protein product. Loss-of-function variants in PIGO are known to be pathogenic (PMID: 22683086, 24417746). This variant is not present in population databases (gnomAD no frequency). This variant has not been reported in the literature in individuals affected with PIGO-related conditions. For these reasons, this variant has been classified as Pathogenic.

Literature cited by the submitters: PubMed 22683086; PubMed 24417746.

NM_032634.4(PIGO):c.2117G>A (p.Trp706Ter)

Gene: PIGO (phosphatidylinositol glycan anchor biosynthesis class O; minus strand). Cytogenetic location: 9p13.3.
Variant type: single nucleotide variant.
Coding change: c.2117G>A on transcript NM_032634.4 (MANE Select); coding-DNA position 2117, G replaced by A.
Protein change: p.Trp706Ter; replaces tryptophan 706 with a stop codon.
Molecular consequence: nonsense. On other transcripts: intron variant (2).
Genome position (GRCh38, 1-based): chr9:35,091,770, C>T on the plus strand (G>A on the coding strand, the complement: PIGO is on the minus strand). VCF-style: chr9-35091770-C-T. GRCh37 (hg19) VCF-style: chr9-35091767-C-T.
Other names: c.1345-479G>A (NM_152850.4, NM_001201484.2); short protein forms W706*.
Identifiers: ClinVar variation 2754191 (VCV002754191.3), dbSNP rs2490448849, ClinGen allele CA373320748.
Genomic context (GRCh38, chr9:35,091,770, plus strand): 5'-TCTGCCCCCGACGCCAATGCCCAGTAGGCAGCAGTACCCAATGCCATTAGGGGCAGTCCC[C>T]AGCGCACAAAGAGCATGGGTGGCTCGGGGCTCTTGAGATTACCATAGCGGCGAAGCCACA-3'